The following is an entry in ClinVar:

ClinVar aggregate classification (germline): Uncertain significance (1 of 4 stars; one submission).

Allele frequency attached by ClinVar (database versions not stated): ExAC 0.00001; gnomAD exomes 0.00001.
gnomAD v4.1: 15 of 1,613,774 alleles (0.00093%); highest among the groups gnomAD compares: African/African-American, 0.0013%; no homozygotes.

Submission:

Labcorp Genetics (formerly Invitae), Labcorp
Classification: Uncertain significance. Last evaluated: 2022-11-07. Review status: criteria provided, single submitter. Criteria: Invitae Variant Classification Sherloc (09022015). Collection method: clinical testing. Allele origin: germline.
Comment: In summary, the available evidence is currently insufficient to determine the role of this variant in disease. Therefore, it has been classified as a Variant of Uncertain Significance. Algorithms developed to predict the effect of missense changes on protein structure and function (SIFT, PolyPhen-2, Align-GVGD) all suggest that this variant is likely to be tolerated. This variant has not been reported in the literature in individuals affected with TFRC-related conditions. This variant is present in population databases (rs775628655, gnomAD 0.007%). This sequence change replaces valine, which is neutral and non-polar, with methionine, which is neutral and non-polar, at codon 73 of the TFRC protein (p.Val73Met).

NM_001128148.3(TFRC):c.217G>A (p.Val73Met)

Gene: TFRC (transferrin receptor; minus strand). Cytogenetic location: 3q29.
Variant type: single nucleotide variant.
Coding change: c.217G>A on transcript NM_001128148.3 (MANE Select); coding-DNA position 217, G replaced by A.
Protein change: p.Val73Met; replaces valine 73 with methionine.
Molecular consequence: missense variant. On other transcripts: intron variant (2).
Genome position (GRCh38, 1-based): chr3:196,075,180, C>T on the plus strand (G>A on the coding strand, the complement: TFRC is on the minus strand). VCF-style: chr3-196075180-C-T. GRCh37 (hg19) VCF-style: chr3-195802051-C-T.
Other names: c.217G>A, p.Val73Met (NM_003234.4); c.-413+1884G>A (NM_001313966.2); c.-5-1055G>A (NM_001313965.2); short protein forms V73M.
Identifiers: ClinVar variation 1716792 (VCV001716792.5), dbSNP rs775628655, ClinGen allele CA2778373.